The following is an entry in ClinVar:

NM_017763.6(RNF43):c.59C>T (p.Thr20Ile)

Gene: RNF43 (ring finger protein 43; minus strand). Cytogenetic location: 17q22.
Variant type: single nucleotide variant.
Coding change: c.59C>T on transcript NM_017763.6 (MANE Select); coding-DNA position 59, C replaced by T.
Protein change: p.Thr20Ile; replaces threonine 20 with isoleucine.
Molecular consequence: missense variant.
Genome position (GRCh38, 1-based): chr17:58,415,519, G>A on the plus strand (C>T on the coding strand, the complement: RNF43 is on the minus strand). VCF-style: chr17-58415519-G-A. GRCh37 (hg19) VCF-style: chr17-56492880-G-A.
Other names: c.59C>T, p.Thr20Ile (NM_001305544.3); c.59C>T (NM_017763.4); short protein forms T20I.
Identifiers: ClinVar variation 961958 (VCV000961958.10), dbSNP rs1974106298, ClinGen allele CA400360438.

ClinVar aggregate classification (germline): Uncertain significance. Review status: criteria provided, multiple submitters, no conflicts (2 of 4 stars). 2 submissions from 2 submitters: Uncertain significance (2). Last evaluated 2026-08-01.

Submissions (2):

Ambry Genetics
Classification: Uncertain significance. Last evaluated: 2026-08-01. Review status: criteria provided, single submitter. Criteria: Ambry Variant Classification Scheme 2023. Collection method: clinical testing. Allele origin: germline.
Comment: The p.T20I variant (also known as c.59C>T), located in coding exon 1 of the RNF43 gene, results from a C to T substitution at nucleotide position 59. The threonine at codon 20 is replaced by isoleucine, an amino acid with similar properties. This amino acid position is conserved. In addition, this alteration is predicted to be tolerated by in silico analysis. Based on the available evidence, the clinical significance of this variant remains unclear.

Labcorp Genetics (formerly Invitae), Labcorp
Classification: Uncertain significance. Last evaluated: 2019-08-22. Review status: criteria provided, single submitter. Criteria: Invitae Variant Classification Sherloc (09022015). Collection method: clinical testing. Allele origin: germline.
Comment: This sequence change replaces threonine with isoleucine at codon 20 of the RNF43 protein (p.Thr20Ile). The threonine residue is moderately conserved and there is a moderate physicochemical difference between threonine and isoleucine. This variant is not present in population databases (ExAC no frequency). This variant has not been reported in the literature in individuals with RNF43-related conditions. Algorithms developed to predict the effect of missense changes on protein structure and function are either unavailable or do not agree on the potential impact of this missense change (SIFT: "Deleterious"; PolyPhen-2: "Benign"; Align-GVGD: "Class C0"). In summary, the available evidence is currently insufficient to determine the role of this variant in disease. Therefore, it has been classified as a Variant of Uncertain Significance.